The following is an entry in ClinVar:

ClinVar aggregate classification (germline): Conflicting classifications of pathogenicity. Review status: criteria provided, conflicting classifications (1 of 4 stars). 2 submissions from 2 submitters: Uncertain significance (1); Likely benign (1). Last evaluated 2026-09-01.

gnomAD v4.1: 21 of 1,613,898 alleles (0.0013%); highest among the groups gnomAD compares: Admixed American, 0.035%; no homozygotes.

Submissions (2):

CeGaT Center for Human Genetics Tuebingen
Classification: Likely benign. Last evaluated: 2026-09-01. Review status: criteria provided, single submitter. Criteria: CeGaT Center For Human Genetics Tuebingen Variant Classification Criteria Version 2. Collection method: clinical testing. Allele origin: germline. Affected: yes. Observed: 1 variant allele.
Comment: PRKAR1B: BS2

Ambry Genetics
Classification: Uncertain significance. Last evaluated: 2025-04-03. Review status: criteria provided, single submitter. Criteria: Ambry Variant Classification Scheme 2023. Collection method: clinical testing. Allele origin: germline.

NM_001164760.2(PRKAR1B):c.463C>G (p.Pro155Ala)

Genes: PRKAR1B (protein kinase cAMP-dependent type I regulatory subunit beta; minus strand), PRKAR1B-AS1 (PRKAR1B antisense RNA 1; plus strand). Cytogenetic location: 7p22.3.
Variant type: single nucleotide variant.
Coding change: c.463C>G on transcript NM_001164760.2 (MANE Select); coding-DNA position 463, C replaced by G.
Protein change: p.Pro155Ala; replaces proline 155 with alanine.
Molecular consequence: missense variant.
Genome position (GRCh38, 1-based): chr7:607,430, G>C on the plus strand (C>G on the coding strand, the complement: PRKAR1B is on the minus strand). VCF-style: chr7-607430-G-C. GRCh37 (hg19) VCF-style: chr7-647067-G-C.
Other names: c.463C>G, p.Pro155Ala (NM_001164758.2, NM_001164759.1, NM_001164761.2 and 2 more transcripts); short protein forms P155A.
Identifiers: ClinVar variation 3938100 (VCV003938100.2).
Genomic context (GRCh38, chr7:607,430, plus strand): 5'-CGAGGAGCAGGCAGAACGTACCTTGCTGTATAACAGTCTCCCCAGCGATGTGAGTGACAG[G>C]GAACATGGCATCGAATATGTCACTGAAAAGCAAAACACGCCAAATTAGGGCTGCAGGCAG-3'
Protein context (NP_001158232.1, residues 145-165): ERSDIFDAMF[Pro155Ala]VTHIAGETVI